The following is an entry in ClinVar:

ClinVar aggregate classification (germline): Uncertain significance. Review status: criteria provided, multiple submitters, no conflicts (2 of 4 stars). 2 submissions from 2 submitters: Uncertain significance (2). Last evaluated 2021-08-24.

Conditions:
Neuropathy, hereditary motor and sensory, type 6B (HMSN6B). Also called: HMSN VIB; CHARCOT-MARIE-TOOTH DISEASE, TYPE 6B; NEUROPATHY, HEREDITARY MOTOR AND SENSORY, TYPE VIB, WITH OPTIC ATROPHY; Neuropathy, hereditary motor and sensory, type VIB. Identifiers: MedGen C4225302, MONDO:0014671, OMIM 616505.

Allele frequency attached by ClinVar (database versions not stated): gnomAD exomes below 0.00001; ExAC 0.00001; TOPMed 0.00001.
gnomAD v4.1: 2 of 1,613,784 alleles (0.00012%); highest among the groups gnomAD compares: Non-Finnish European, 0.00017%; no homozygotes.

Submissions (2):

Labcorp Genetics (formerly Invitae), Labcorp
Classification: Uncertain significance for Neuropathy, hereditary motor and sensory, type 6B. Last evaluated: 2021-08-24. Review status: criteria provided, single submitter. Criteria: Invitae Variant Classification Sherloc (09022015). Collection method: clinical testing. Allele origin: germline.
Comment: This sequence change replaces histidine with tyrosine at codon 339 of the SLC25A46 protein (p.His339Tyr). The histidine residue is highly conserved and there is a moderate physicochemical difference between histidine and tyrosine. This variant is present in population databases (rs777283215, ExAC 0.001%). This variant has not been reported in the literature in individuals affected with SLC25A46-related conditions. Algorithms developed to predict the effect of missense changes on protein structure and function (SIFT, PolyPhen-2, Align-GVGD) all suggest that this variant is likely to be disruptive. In summary, the available evidence is currently insufficient to determine the role of this variant in disease. Therefore, it has been classified as a Variant of Uncertain Significance.

CeGaT Center for Human Genetics Tuebingen
Classification: Uncertain significance. Last evaluated: 2020-02-01. Review status: criteria provided, single submitter. Criteria: CeGaT Center For Human Genetics Tuebingen Variant Classification Criteria Version 2. Collection method: clinical testing. Allele origin: germline. Affected: yes. Observed: 1 variant allele.

NM_138773.4(SLC25A46):c.1015C>T (p.His339Tyr)

Gene: SLC25A46 (solute carrier family 25 member 46; plus strand). Cytogenetic location: 5q22.1.
Variant type: single nucleotide variant.
Coding change: c.1015C>T on transcript NM_138773.4 (MANE Select); coding-DNA position 1015, C replaced by T.
Protein change: p.His339Tyr; replaces histidine 339 with tyrosine.
Molecular consequence: missense variant. On other transcripts: non-coding transcript variant (1).
Genome position (GRCh38, 1-based): chr5:110,761,540, C>T. VCF-style: chr5-110761540-C-T. GRCh37 (hg19) VCF-style: chr5-110097240-C-T.
Other names: c.772C>T, p.His258Tyr (NM_001303249.3); c.742C>T, p.His248Tyr (NM_001303250.3); short protein forms H339Y, H258Y, H248Y.
Identifiers: ClinVar variation 916476 (VCV000916476.44), dbSNP rs777283215, ClinGen allele CA3364800.